The following is an entry in ClinVar:

NM_001110556.2(FLNA):c.1658C>T (p.Thr553Ile)

Gene: FLNA (filamin A; minus strand). Cytogenetic location: Xq28.
Variant type: single nucleotide variant.
Coding change: c.1658C>T on transcript NM_001110556.2 (MANE Select); coding-DNA position 1658, C replaced by T.
Protein change: p.Thr553Ile; replaces threonine 553 with isoleucine.
Molecular consequence: missense variant.
Genome position (GRCh38, 1-based): chrX:154,365,169, G>A on the plus strand (C>T on the coding strand, the complement: FLNA is on the minus strand). VCF-style: chrX-154365169-G-A. GRCh37 (hg19) VCF-style: chrX-153593537-G-A.
Other names: c.1658C>T, p.Thr553Ile (NM_001456.4); short protein forms T553I.
Identifiers: ClinVar variation 4791991 (VCV004791991.1).

ClinVar aggregate classification (germline): Uncertain significance (1 of 4 stars; one submission).

Conditions:
Heterotopia, periventricular, X-linked dominant (PVNH1). Also called: PERIVENTRICULAR NODULAR HETEROTOPIA 1; X-linked periventricular heterotopia; PERIVENTRICULAR NODULAR HETEROTOPIA 4; HETEROTOPIA, PERIVENTRICULAR, 1. Identifiers: Orphanet 2149, Orphanet 82004, MedGen C1848213, MONDO:0010233, OMIM 300049.
Melnick-Needles syndrome (MNS). Also called: MELNICK-NEEDLES OSTEODYSPLASTY; OSTEODYSPLASTY OF MELNICK AND NEEDLES; Melnick-Needles Syndrome (FLNA-MNS). Identifiers: Orphanet 2484, MedGen C0025237, MONDO:0010650, OMIM 309350.
Frontometaphyseal dysplasia (FMD1). Identifiers: Orphanet 1826, MedGen C0265293, MONDO:0015942.
Oto-palato-digital syndrome, type II (OPD2). Also called: FACIOPALATOOSSEOUS SYNDROME; OPD II SYNDROME; Otopalatodigital Syndrome Type 2 (FLNA-OPD2); Otopalatodigital Syndrome, Type II. Identifiers: Orphanet 669, Orphanet 90652, MedGen C1844696, MONDO:0010571, OMIM 304120.

Submission:

Labcorp Genetics (formerly Invitae), Labcorp
Classification: Uncertain significance for Oto-palato-digital syndrome, type II; Heterotopia, periventricular, X-linked dominant; Frontometaphyseal dysplasia; Melnick-Needles syndrome. Last evaluated: 2025-10-01. Review status: criteria provided, single submitter. Criteria: Invitae Variant Classification Sherloc (09022015). Collection method: clinical testing. Allele origin: germline.
Comment: This sequence change replaces threonine, which is neutral and polar, with isoleucine, which is neutral and non-polar, at codon 553 of the FLNA protein (p.Thr553Ile). This variant is not present in population databases (gnomAD no frequency). This variant has not been reported in the literature in individuals affected with FLNA-related conditions. Invitae Evidence Modeling of protein sequence and biophysical properties (such as structural, functional, and spatial information, amino acid conservation, physicochemical variation, residue mobility, and thermodynamic stability) indicates that this missense variant is not expected to disrupt FLNA protein function with a negative predictive value of 95%. In summary, the available evidence is currently insufficient to determine the role of this variant in disease. Therefore, it has been classified as a Variant of Uncertain Significance.